The following is an entry in ClinVar:

NM_001613.4(ACTA2):c.954G>C (p.Glu318Asp)

Genes: ACTA2-AS1 (ACTA2 antisense RNA 1; plus strand), ACTA2 (actin alpha 2, smooth muscle; minus strand). Cytogenetic location: 10q23.31.
Variant type: single nucleotide variant.
Coding change: c.954G>C on transcript NM_001613.4 (MANE Select); coding-DNA position 954, G replaced by C.
Protein change: p.Glu318Asp; replaces glutamic acid 318 with aspartic acid.
Molecular consequence: missense variant.
Genome position (GRCh38, 1-based): chr10:88,938,097, C>G on the plus strand (G>C on the coding strand, the complement: ACTA2 is on the minus strand). VCF-style: chr10-88938097-C-G. GRCh37 (hg19) VCF-style: chr10-90697854-C-G.
Other names: c.843G>C, p.Glu281Asp (NM_001406466.1); c.762G>C, p.Glu254Asp (NM_001406471.1); c.825G>C, p.Glu275Asp (NM_001406467.1, NM_001406468.1, NM_001406469.1); c.954G>C, p.Glu318Asp (NM_001141945.3, NM_001320855.2, NM_001406462.1 and 2 more transcripts); short protein forms E318D, E254D, E281D, E275D.
Identifiers: ClinVar variation 573994 (VCV000573994.12), dbSNP rs779117107, ClinGen allele CA377510716.

ClinVar aggregate classification (germline): Uncertain significance. Review status: criteria provided, multiple submitters, no conflicts (2 of 4 stars). 4 submissions from 4 submitters: Uncertain significance (4). Last evaluated 2024-07-28.

Conditions:
Aortic aneurysm, familial thoracic 6 (AAT6). Also called: FAMILIAL THORACIC AORTIC ANEURYSM WITH LIVEDO RETICULARIS AND IRIS FLOCCULI. Identifiers: MedGen C2673186, MONDO:0012730, OMIM 611788.
Familial thoracic aortic aneurysm and aortic dissection (TAAD). Also called: Thoracic aortic aneurysms and dissections. Identifiers: Orphanet 91387, MedGen C4707243, MONDO:0019625.

Submissions (4):

GeneDx
Classification: Uncertain significance. Last evaluated: 2024-07-28. Review status: criteria provided, single submitter. Criteria: GeneDx Variant Classification Process June 2021. Collection method: clinical testing. Allele origin: germline. Affected: yes.
Comment: Not observed at significant frequency in large population cohorts (gnomAD); In silico analysis indicates that this missense variant does not alter protein structure/function; Has not been previously published as pathogenic or benign to our knowledge

Color Diagnostics, LLC DBA Color Health
Classification: Uncertain significance for Familial thoracic aortic aneurysm and aortic dissection. Last evaluated: 2024-03-06. Review status: criteria provided, single submitter. Criteria: ACMG Guidelines, 2015. Collection method: clinical testing. Allele origin: germline.
Comment: This missense variant replaces glutamic acid with aspartic acid at codon 318 of the ACTA2 protein. Computational prediction suggests that this variant may have deleterious impact on protein structure and function. To our knowledge, functional studies have not been reported for this variant. This variant has not been reported in individuals affected with ACTA2-related disorders in the literature. This variant has been identified in 2/250966 chromosomes in the general population by the Genome Aggregation Database (gnomAD). The available evidence is insufficient to determine the role of this variant in disease conclusively. Therefore, this variant is classified as a Variant of Uncertain Significance.

All of Us Research Program, National Institutes of Health
Classification: Uncertain significance for Familial thoracic aortic aneurysm and aortic dissection. Last evaluated: 2023-08-15. Review status: criteria provided, single submitter. Criteria: ACMG Guidelines, 2015. Collection method: clinical testing. Allele origin: germline. Inheritance: Autosomal dominant inheritance. Observed: 3 variant alleles, 3 heterozygotes.
Comment: This missense variant replaces glutamic acid with aspartic acid at codon 318 of the ACTA2 protein. Computational prediction suggests that this variant may have deleterious impact on protein structure and function (internally defined REVEL score threshold >= 0.7, PMID: 27666373). To our knowledge, functional studies have not been reported for this variant. This variant has not been reported in individuals affected with cardiovascular disorders in the literature. This variant has been identified in 2/250966 chromosomes in the general population by the Genome Aggregation Database (gnomAD). The available evidence is insufficient to determine the role of this variant in disease conclusively. Therefore, this variant is classified as a Variant of Uncertain Significance.

This study involves interpretation of variants in research participants for the purpose of population health screening. Participant phenotype was not available at the time of variant classification. Additional details can be found in publication PMID: 35346344, PMCID: PMC8962531

Labcorp Genetics (formerly Invitae), Labcorp
Classification: Uncertain significance for Aortic aneurysm, familial thoracic 6. Last evaluated: 2018-03-14. Review status: criteria provided, single submitter. Criteria: Invitae Variant Classification Sherloc (09022015). Collection method: clinical testing. Allele origin: germline.
Comment: In summary, the available evidence is currently insufficient to determine the role of this variant in disease. Therefore, it has been classified as a Variant of Uncertain Significance. Algorithms developed to predict the effect of missense changes on protein structure and function do not agree on the potential impact of this missense change (SIFT: "Deleterious"; PolyPhen-2: "Benign"; Align-GVGD: "Class C35"). This variant has not been reported in the literature in individuals with ACTA2-related disease. This variant is not present in population databases (ExAC no frequency). This sequence change replaces glutamic acid with aspartic acid at codon 318 of the ACTA2 protein (p.Glu318Asp). The glutamic acid residue is highly conserved and there is a small physicochemical difference between glutamic acid and aspartic acid.